The following is an entry in ClinVar:

ClinVar aggregate classification (germline): Uncertain significance (1 of 4 stars; one submission).

Conditions:
Cardiovascular phenotype. Identifiers: MedGen CN230736.

Submission:

Ambry Genetics
Classification: Uncertain significance for Cardiovascular phenotype. Last evaluated: 2024-01-02. Review status: criteria provided, single submitter. Criteria: Ambry Variant Classification Scheme 2023. Collection method: clinical testing. Allele origin: germline.
Comment: The c.1713-6_1731del25insG gross deletion includes at least a portion of coding exon 15 and involves the canonical splice acceptor site before coding exon 15 of the PTPN11 gene. The canonical splice acceptor site is highly conserved in available vertebrate species. In silico splice site analysis predicts that this alteration may result in the creation or strengthening of a novel splice acceptor site; however, the exact impact of this deletion on PTPN11 splicing and function is currently unknown. Alterations that disrupt the canonical splice site are expected to result in aberrant splicing; however, the resulting transcript is predicted to be in-frame and is not expected to trigger nonsense-mediated mRNAdecay. The exact functional effect of the altered amino acid sequence is unknown. Since supporting evidence is limited at this time, the clinical significance of this alteration remains unclear.

NM_002834.5(PTPN11):c.1713-6_1731delinsG

Gene: PTPN11 (protein tyrosine phosphatase non-receptor type 11; plus strand). Cytogenetic location: 12q24.13.
Variant type: Indel.
Coding change: c.1713-6_1731delinsG on transcript NM_002834.5 (MANE Select); 6 bases into the intron before coding-DNA position 1713 through coding-DNA position 1731, CTCCAGAATGAGAGAAGACAGTGCT replaced by G.
Molecular consequence: splice acceptor variant.
Genome position (GRCh38, 1-based): chr12:112,504,689-112,504,713, CTCCAGAATGAGAGAAGACAGTGCT replaced by G. VCF-style: chr12-112504689-CTCCAGAATGAGAGAAGACAGTGCT-G. GRCh37 (hg19) VCF-style: chr12-112942493-CTCCAGAATGAGAGAAGACAGTGCT-G.
Other names: c.1725-6_1743delinsG (NM_001330437.2); c.1710-6_1728delinsG (NM_001374625.1).
Identifiers: ClinVar variation 3222833 (VCV003222833.1), dbSNP rs2540479277, ClinGen allele CA2825002058.